The following is an entry in ClinVar:

ClinVar aggregate classification (germline): Uncertain significance (1 of 4 stars; one submission).

Allele frequency attached by ClinVar (database versions not stated): gnomAD exomes 0.00007; ESP Exome Variant Server 0.00008; gnomAD 0.00010; TOPMed 0.00018.
gnomAD v4.1: 124 of 1,604,194 alleles (0.0077%); highest among the groups gnomAD compares: South Asian, 0.057%; 1 homozygote.

Submission:

Labcorp Genetics (formerly Invitae), Labcorp
Classification: Uncertain significance. Last evaluated: 2025-12-16. Review status: criteria provided, single submitter. Criteria: Invitae Variant Classification Sherloc (09022015). Collection method: clinical testing. Allele origin: germline.
Comment: This sequence change replaces alanine, which is neutral and non-polar, with aspartic acid, which is acidic and polar, at codon 2214 of the DNAH9 protein (p.Ala2214Asp). This variant is present in population databases (rs201952414, gnomAD 0.08%). This variant has not been reported in the literature in individuals affected with DNAH9-related conditions. ClinVar contains an entry for this variant (Variation ID: 1448326). Invitae Evidence Modeling of protein sequence and biophysical properties (such as structural, functional, and spatial information, amino acid conservation, physicochemical variation, residue mobility, and thermodynamic stability) indicates that this missense variant is expected to disrupt DNAH9 protein function with a positive predictive value of 80%. In summary, the available evidence is currently insufficient to determine the role of this variant in disease. Therefore, it has been classified as a Variant of Uncertain Significance.

NM_001372.4(DNAH9):c.6641C>A (p.Ala2214Asp)

Gene: DNAH9 (dynein axonemal heavy chain 9; plus strand). Cytogenetic location: 17p12.
Variant type: single nucleotide variant.
Coding change: c.6641C>A on transcript NM_001372.4 (MANE Select); coding-DNA position 6641, C replaced by A.
Protein change: p.Ala2214Asp; replaces alanine 2214 with aspartic acid.
Molecular consequence: missense variant.
Genome position (GRCh38, 1-based): chr17:11,752,863, C>A. VCF-style: chr17-11752863-C-A. GRCh37 (hg19) VCF-style: chr17-11656180-C-A.
Other names: short protein forms A2214D.
Identifiers: ClinVar variation 1448326 (VCV001448326.4), dbSNP rs201952414, ClinGen allele CA8396373.
Genomic context (GRCh38, chr17:11,752,863, plus strand): 5'-GGAAAATAAGGTGTCAGTGGTTCCTTTTAGGATTGTTCTCTTCCATCATGCGGGAGCTTG[C>A]CAACATCACCCATGATGGGCCCAAGTGGATTTTACTGGATGGCGACATAGATCCAATGTG-3'
Protein context (NP_001363.2, residues 2204-2224): GLFSSIMREL[Ala2214Asp]NITHDGPKWI